The following is an entry in ClinVar:

ClinVar aggregate classification (germline): Pathogenic (1 of 4 stars; one submission).

Submission:

Labcorp Genetics (formerly Invitae), Labcorp
Classification: Pathogenic. Last evaluated: 2025-06-15. Review status: criteria provided, single submitter. Criteria: Invitae Variant Classification Sherloc (09022015). Collection method: clinical testing. Allele origin: germline.
Comment: This sequence change creates a premature translational stop signal (p.Tyr444Metfs*18) in the SI gene. It is expected to result in an absent or disrupted protein product. Loss-of-function variants in SI are known to be pathogenic (PMID: 16329100, 23103650, 25452324). This variant is not present in population databases (gnomAD no frequency). This variant has not been reported in the literature in individuals affected with SI-related conditions. For these reasons, this variant has been classified as Pathogenic.

Literature cited by the submitters: PubMed 16329100; PubMed 23103650; PubMed 25452324.

NM_001041.4(SI):c.1309_1328dup (p.Tyr444fs)

Gene: SI (sucrase-isomaltase; minus strand). Cytogenetic location: 3q26.1.
Variant type: Duplication.
Coding change: c.1309_1328dup on transcript NM_001041.4 (MANE Select); coding-DNA positions 1309 to 1328, 20 bases duplicated (AATGGAACAACATATGCAAC).
Protein change: p.Tyr444fs; shifts the reading frame from tyrosine 444.
Molecular consequence: frameshift variant.
Genome position (GRCh38, 1-based): chr3:165,059,033-165,059,052, GTTGCATATGTTGTTCCATT duplicated on the plus strand (AATGGAACAACATATGCAAC on the coding strand, the reverse complement: SI is on the minus strand); duplicating any 20 consecutive bases within chr3:165,059,033-165,059,053 gives the same sequence; the c. name uses the placement nearest the transcript's 3' end. VCF-style (leftmost placement, unchanged base first): chr3-165059032-G-GGTTGCATATGTTGTTCCATT. GRCh37 (hg19) VCF-style: chr3-164776820-G-GGTTGCATATGTTGTTCCATT.
Other names: short protein forms Y444fs.
Identifiers: ClinVar variation 4700344 (VCV004700344.1).